The following is an entry in ClinVar:

ClinVar aggregate classification (germline): Uncertain significance (1 of 4 stars; one submission).

Conditions:
Lethal multiple pterygium syndrome (LMPS). Identifiers: Orphanet 33108, MedGen C1854678, MONDO:0009668, OMIM 253290.

Submission:

Labcorp Genetics (formerly Invitae), Labcorp
Classification: Uncertain significance for Lethal multiple pterygium syndrome. Last evaluated: 2022-04-16. Review status: criteria provided, single submitter. Criteria: Invitae Variant Classification Sherloc (09022015). Collection method: clinical testing. Allele origin: germline.
Comment: This sequence change falls in intron 6 of the CHRND gene. It does not directly change the encoded amino acid sequence of the CHRND protein. It affects a nucleotide within the consensus splice site. This variant is not present in population databases (gnomAD no frequency). In summary, the available evidence is currently insufficient to determine the role of this variant in disease. Therefore, it has been classified as a Variant of Uncertain Significance. Variants that disrupt the consensus splice site are a relatively common cause of aberrant splicing (PMID: 17576681, 9536098). Algorithms developed to predict the effect of sequence changes on RNA splicing suggest that this variant is not likely to affect RNA splicing. This variant has not been reported in the literature in individuals affected with CHRND-related conditions.

Literature cited by the submitters: PubMed 17576681; PubMed 9536098.

NM_000751.3(CHRND):c.620-3C>T

Gene: CHRND (cholinergic receptor nicotinic delta subunit; plus strand). Cytogenetic location: 2q37.1.
Variant type: single nucleotide variant.
Coding change: c.620-3C>T on transcript NM_000751.3 (MANE Select); 3 bases into the intron before coding-DNA position 620, C replaced by T.
Molecular consequence: intron variant.
Genome position (GRCh38, 1-based): chr2:232,529,936, C>T. VCF-style: chr2-232529936-C-T. GRCh37 (hg19) VCF-style: chr2-233394646-C-T.
Other names: c.238+1280C>T (NM_001311195.2); c.317-3C>T (NM_001311196.2); c.575-3C>T (NM_001256657.2).
Identifiers: ClinVar variation 2126982 (VCV002126982.4), dbSNP rs1691619642, ClinGen allele CA2580066063.
Genomic context (GRCh38, chr2:232,529,936, plus strand): 5'-CCCAGGCCCTGCCTAGCCCCCTTGGCCTGGCCTGACCCTAAGATGTCCATGTGCCGCCCT[C>T]AGAGAACGGGGAGTGGGAGATAGTCCACCGGCCGGCCAGGGTCAACGTGGACCCCAGAGC-3'